The following is an entry in ClinVar:

NM_001077653.2(TBX20):c.443T>C (p.Val148Ala)

Gene: TBX20 (T-box transcription factor 20; minus strand). Cytogenetic location: 7p14.2.
Variant type: single nucleotide variant.
Coding change: c.443T>C on transcript NM_001077653.2 (MANE Select); coding-DNA position 443, T replaced by C.
Protein change: p.Val148Ala; replaces valine 148 with alanine.
Molecular consequence: missense variant.
Genome position (GRCh38, 1-based): chr7:35,248,779, A>G on the plus strand (T>C on the coding strand, the complement: TBX20 is on the minus strand). VCF-style: chr7-35248779-A-G. GRCh37 (hg19) VCF-style: chr7-35288391-A-G.
Other names: c.443T>C, p.Val148Ala (NM_001166220.1); short protein forms V148A.
Identifiers: ClinVar variation 4746742 (VCV004746742.1).

ClinVar aggregate classification (germline): Uncertain significance (1 of 4 stars; one submission).

Submission:

Labcorp Genetics (formerly Invitae), Labcorp
Classification: Uncertain significance. Last evaluated: 2025-09-14. Review status: criteria provided, single submitter. Criteria: Invitae Variant Classification Sherloc (09022015). Collection method: clinical testing. Allele origin: germline.
Comment: This sequence change replaces valine, which is neutral and non-polar, with alanine, which is neutral and non-polar, at codon 148 of the TBX20 protein (p.Val148Ala). This variant is not present in population databases (gnomAD no frequency). This variant has not been reported in the literature in individuals affected with TBX20-related conditions. Invitae Evidence Modeling of protein sequence and biophysical properties (such as structural, functional, and spatial information, amino acid conservation, physicochemical variation, residue mobility, and thermodynamic stability) indicates that this missense variant is expected to disrupt TBX20 protein function with a positive predictive value of 80%. In summary, the available evidence is currently insufficient to determine the role of this variant in disease. Therefore, it has been classified as a Variant of Uncertain Significance.